The following is an entry in ClinVar:

ClinVar aggregate classification (germline): Uncertain significance. Review status: criteria provided, multiple submitters, no conflicts (2 of 4 stars). 3 submissions from 3 submitters: Uncertain significance (3). Last evaluated 2024-03-07.

Conditions:
Inborn genetic diseases. Identifiers: MedGen C0950123, MeSH D030342.
Developmental delay with autism spectrum disorder and gait instability (MRT38). Also called: Intellectual developmental disorder, autosomal recessive 38. Identifiers: Orphanet 329195, MedGen C3809753, MONDO:0014224, OMIM 615516.

Allele frequency attached by ClinVar (database versions not stated): gnomAD exomes 0.00002 and 0.00013; TOPMed 0.00006; ESP Exome Variant Server 0.00008; gnomAD 0.00009.
gnomAD v4.1: 201 of 1,613,244 alleles (0.012%); highest among the groups gnomAD compares: Non-Finnish European, 0.016%; no homozygotes.

Submissions (3):

Ambry Genetics
Classification: Uncertain significance for Inborn genetic diseases. Last evaluated: 2024-03-07. Review status: criteria provided, single submitter. Criteria: Ambry Variant Classification Scheme 2023. Collection method: clinical testing. Allele origin: germline.

GeneDx
Classification: Uncertain significance. Last evaluated: 2023-08-21. Review status: criteria provided, single submitter. Criteria: GeneDx Variant Classification Process June 2021. Collection method: clinical testing. Allele origin: germline. Affected: yes.
Comment: In silico analysis, which includes protein predictors and evolutionary conservation, supports that this variant does not alter protein structure/function; Has not been previously published as pathogenic or benign to our knowledge

Baylor Genetics
Classification: Uncertain significance for Developmental delay with autism spectrum disorder and gait instability. Last evaluated: 2019-02-01. Review status: criteria provided, single submitter. Criteria: ACMG Guidelines, 2015. Collection method: clinical testing. Allele origin: maternal. Affected: yes.
Comment: This variant was determined to be of uncertain significance according to ACMG Guidelines, 2015 [PMID:25741868].

NM_004667.6(HERC2):c.14498G>A (p.Gly4833Glu)

Gene: HERC2 (HECT and RLD domain containing E3 ubiquitin protein ligase 2; minus strand). Cytogenetic location: 15q13.1.
Variant type: single nucleotide variant.
Coding change: c.14498G>A on transcript NM_004667.6 (MANE Select); coding-DNA position 14498, G replaced by A.
Protein change: p.Gly4833Glu; replaces glycine 4833 with glutamic acid.
Molecular consequence: missense variant.
Genome position (GRCh38, 1-based): chr15:28,111,770, C>T on the plus strand (G>A on the coding strand, the complement: HERC2 is on the minus strand). VCF-style: chr15-28111770-C-T. GRCh37 (hg19) VCF-style: chr15-28356916-C-T.
Other names: c.14498G>A (NM_004667.4); short protein forms G4833E.
Identifiers: ClinVar variation 1028801 (VCV001028801.6), dbSNP rs141739498, ClinGen allele CA267916532.